The following is an entry in ClinVar:

ClinVar aggregate classification (germline): Uncertain significance (1 of 4 stars; one submission).

Conditions:
Prader-Willi syndrome (PWS). Identifiers: Orphanet 739, MedGen C0032897, MONDO:0008300, OMIM 176270. Disease mechanism: loss of function, Microdeletion. Inheritance: Microdletion.

Submission:

Centre for Mendelian Genomics, University Medical Centre Ljubljana
Classification: Uncertain significance for Prader-Willi syndrome. Last evaluated: 2019-08-29. Review status: criteria provided, single submitter. Criteria: ACMG Guidelines, 2015. Collection method: clinical testing. Allele origin: unknown. Affected: yes.
Comment: This variant was classified as: Uncertain significance. The available evidence on this variant's pathogenicity is insufficient or conflicting. The following ACMG criteria were applied in classifying this variant: PM2.

NM_002487.3(NDN):c.212A>G (p.Gln71Arg)

Gene: NDN (necdin, MAGE family member; minus strand). Cytogenetic location: 15q11.2.
Variant type: single nucleotide variant.
Coding change: c.212A>G on transcript NM_002487.3 (MANE Select); coding-DNA position 212, A replaced by G.
Protein change: p.Gln71Arg; replaces glutamine 71 with arginine.
Molecular consequence: missense variant.
Genome position (GRCh38, 1-based): chr15:23,687,006, T>C on the plus strand (A>G on the coding strand, the complement: NDN is on the minus strand). VCF-style: chr15-23687006-T-C. GRCh37 (hg19) VCF-style: chr15-23932153-T-C.
Other names: short protein forms Q71R.
Identifiers: ClinVar variation 930471 (VCV000930471.3), dbSNP rs1891161078, ClinGen allele CA391339785.